The following is an entry in ClinVar:

ClinVar aggregate classification (germline): Likely pathogenic (1 of 4 stars; one submission).

Conditions:
Hereditary factor XI deficiency disease. Also called: Congenital factor XI deficiency; PLASMA THROMBOPLASTIN ANTECEDENT DEFICIENCY; PTA DEFICIENCY; ROSENTHAL SYNDROME. Identifiers: Orphanet 329, MedGen C0015523, MeSH D005173, MONDO:0012897, OMIM 612416.

Submission:

Myriad Genetics, Inc.
Classification: Likely pathogenic for Hereditary factor XI deficiency disease. Last evaluated: 2022-03-03. Review status: criteria provided, single submitter. Criteria: Myriad Women's Health Autosomal Recessive and X-Linked Classification Criteria (2021). Collection method: clinical testing. Allele origin: unknown.
Comment: NM_000128.3(F11):c.90delT(F30Lfs*19) is expected to be pathogenic in the context of factor XI deficiency. This variant is predicted to lead to an abnormal or absent protein product due to the creation of a premature termination codon in F11, a gene where loss-of-function variants are known to be pathogenic. Please note: this variant was assessed in the context of healthy population screening.

NM_000128.4(F11):c.90del (p.Phe30fs)

Gene: F11 (coagulation factor XI; plus strand). Cytogenetic location: 4q35.2.
Variant type: Deletion.
Coding change: c.90del on transcript NM_000128.4 (MANE Select); coding-DNA position 90, one base deleted (T; older notation c.90delT).
Protein change: p.Phe30fs; shifts the reading frame from phenylalanine 30.
Molecular consequence: frameshift variant.
Genome position (GRCh38, 1-based): chr4:186,271,643, T deleted; the last of 3 consecutive T bases (chr4:186,271,641-186,271,643); deleting any one gives the same sequence. VCF-style (leftmost placement, unchanged base first): chr4-186271640-CT-C. GRCh37 (hg19) VCF-style: chr4-187192794-CT-C.
Other names: c.90del, p.Phe30fs (NM_001354804.2); short protein forms F30fs.
Identifiers: ClinVar variation 1724959 (VCV001724959.2), dbSNP rs2477206578, ClinGen allele CA2580071705.